The following is an entry in ClinVar:

ClinVar aggregate classification (germline): Uncertain significance. Review status: criteria provided, multiple submitters, no conflicts (2 of 4 stars). 3 submissions from 3 submitters: Uncertain significance (3). Last evaluated 2023-07-03.

Conditions:
Inborn genetic diseases. Identifiers: MedGen C0950123, MeSH D030342.
Methylcobalamin deficiency type cblE (HMAE). Also called: HOMOCYSTINURIA-MEGALOBLASTIC ANEMIA, cblE COMPLEMENTATION TYPE; HOMOCYSTINURIA-MEGALOBLASTIC ANEMIA, cblE TYPE; VITAMIN B12-RESPONSIVE HOMOCYSTINURIA, cblE TYPE. Identifiers: Orphanet 2169, Orphanet 622, MedGen C1856057, MONDO:0009354, OMIM 236270.

Allele frequency attached by ClinVar (database versions not stated): ExAC 0.00002; TOPMed 0.00003; gnomAD 0.00004; gnomAD exomes 0.00004; ESP Exome Variant Server 0.00008.
gnomAD v4.1: 38 of 1,614,048 alleles (0.0024%); highest among the groups gnomAD compares: East Asian, 0.036%; no homozygotes.

Submissions (3):

GeneDx
Classification: Uncertain significance. Last evaluated: 2023-07-03. Review status: criteria provided, single submitter. Criteria: GeneDx Variant Classification Process June 2021. Collection method: clinical testing. Allele origin: germline. Affected: yes.
Comment: In silico analysis supports that this missense variant has a deleterious effect on protein structure/function; Has not been previously published as pathogenic or benign to our knowledge

Labcorp Genetics (formerly Invitae), Labcorp
Classification: Uncertain significance for Methylcobalamin deficiency type cblE. Last evaluated: 2022-09-01. Review status: criteria provided, single submitter. Criteria: Invitae Variant Classification Sherloc (09022015). Collection method: clinical testing. Allele origin: germline.
Comment: This sequence change replaces serine, which is neutral and polar, with leucine, which is neutral and non-polar, at codon 231 of the MTRR protein (p.Ser231Leu). This variant is present in population databases (rs201557658, gnomAD 0.02%). This variant has not been reported in the literature in individuals affected with MTRR-related conditions. ClinVar contains an entry for this variant (Variation ID: 1469059). Algorithms developed to predict the effect of missense changes on protein structure and function (SIFT, PolyPhen-2, Align-GVGD) all suggest that this variant is likely to be tolerated. In summary, the available evidence is currently insufficient to determine the role of this variant in disease. Therefore, it has been classified as a Variant of Uncertain Significance.

Ambry Genetics
Classification: Uncertain significance for Inborn genetic diseases. Last evaluated: 2021-09-01. Review status: criteria provided, single submitter. Criteria: Ambry Variant Classification Scheme 2023. Collection method: clinical testing. Allele origin: germline.

NM_002454.3(MTRR):c.692C>T (p.Ser231Leu)

Gene: MTRR (5-methyltetrahydrofolate-homocysteine methyltransferase reductase; plus strand). Cytogenetic location: 5p15.31.
Variant type: single nucleotide variant.
Coding change: c.692C>T on transcript NM_002454.3 (MANE Select); coding-DNA position 692, C replaced by T.
Protein change: p.Ser231Leu; replaces serine 231 with leucine.
Molecular consequence: missense variant. On other transcripts: non-coding transcript variant (14).
Genome position (GRCh38, 1-based): chr5:7,878,234, C>T. VCF-style: chr5-7878234-C-T. GRCh37 (hg19) VCF-style: chr5-7878347-C-T.
Other names: c.692C>T, p.Ser231Leu (NM_001364440.2, NM_001364441.2, NM_001364442.2 and 1 more transcripts); c.692C>T (NM_002454.2); short protein forms S231L.
Identifiers: ClinVar variation 1469059 (VCV001469059.5), dbSNP rs201557658, ClinGen allele CA3195667.